The following is an entry in ClinVar:

ClinVar aggregate classification (germline): Uncertain significance. Review status: criteria provided, single submitter (1 of 4 stars). 2 submissions from 2 submitters: Uncertain significance (1). 1 of the submissions does not count toward it. Last evaluated 2022-03-10.

Conditions:
Retinitis pigmentosa 25 (RP25). Identifiers: Orphanet 791, MedGen C1864446, MONDO:0011272, OMIM 602772.

Allele frequency attached by ClinVar (database versions not stated): gnomAD exomes below 0.00001 and 0.00001; gnomAD 0.00001; TOPMed 0.00003.
gnomAD v4.1: 4 of 1,551,574 alleles (0.00026%); highest among the groups gnomAD compares: African/African-American, 0.0041%; no homozygotes.

Submissions (2):

Labcorp Genetics (formerly Invitae), Labcorp
Classification: Uncertain significance. Last evaluated: 2022-03-10. Review status: criteria provided, single submitter. Criteria: Invitae Variant Classification Sherloc (09022015). Collection method: clinical testing. Allele origin: germline.
Comment: This sequence change replaces methionine, which is neutral and non-polar, with isoleucine, which is neutral and non-polar, at codon 2617 of the EYS protein (p.Met2617Ile). This variant is present in population databases (no rsID available, gnomAD 0.01%). This variant has not been reported in the literature in individuals affected with EYS-related conditions. ClinVar contains an entry for this variant (Variation ID: 964378). Algorithms developed to predict the effect of missense changes on protein structure and function output the following: SIFT: "Tolerated"; PolyPhen-2: "Benign"; Align-GVGD: "Class C0". The isoleucine amino acid residue is found in multiple mammalian species, which suggests that this missense change does not adversely affect protein function. In summary, the available evidence is currently insufficient to determine the role of this variant in disease. Therefore, it has been classified as a Variant of Uncertain Significance.

Natera, Inc.
Classification: Uncertain significance for Retinitis pigmentosa type 25. Last evaluated: 2020-08-24. Review status: no assertion criteria provided. Collection method: clinical testing. Allele origin: germline. Not counted in ClinVar's aggregate classification.

NM_001142800.2(EYS):c.7851G>T (p.Met2617Ile)

Gene: EYS (eyes shut homolog; minus strand). Cytogenetic location: 6q12.
Variant type: single nucleotide variant.
Coding change: c.7851G>T on transcript NM_001142800.2 (MANE Select); coding-DNA position 7851, G replaced by T.
Protein change: p.Met2617Ile; replaces methionine 2617 with isoleucine.
Molecular consequence: missense variant.
Genome position (GRCh38, 1-based): chr6:63,778,053, C>A on the plus strand (G>T on the coding strand, the complement: EYS is on the minus strand). VCF-style: chr6-63778053-C-A. GRCh37 (hg19) VCF-style: chr6-64487946-C-A.
Other names: c.7851G>T, p.Met2617Ile (NM_001292009.2); short protein forms M2617I.
Identifiers: ClinVar variation 964378 (VCV000964378.7), dbSNP rs1012336027, ClinGen allele CA140242856.